The following is an entry in ClinVar:

ClinVar aggregate classification (germline): Uncertain significance (1 of 4 stars; one submission).

Conditions:
Immunodeficiency 67. Also called: Immunodeficiency due to interleukin-1 receptor-associated kinase-4 deficiency. Identifiers: Orphanet 70592, MedGen C1843256, MONDO:0011888, OMIM 607676.

Allele frequency attached by ClinVar (database versions not stated): gnomAD exomes below 0.00001; TOPMed below 0.00001; gnomAD 0.00001.
gnomAD v4.1: 2 of 1,613,026 alleles (0.00012%); highest among the groups gnomAD compares: African/African-American, 0.0027%; no homozygotes.

Submission:

Labcorp Genetics (formerly Invitae), Labcorp
Classification: Uncertain significance for Immunodeficiency 67. Last evaluated: 2021-07-22. Review status: criteria provided, single submitter. Criteria: Invitae Variant Classification Sherloc (09022015). Collection method: clinical testing. Allele origin: germline.
Comment: This sequence change replaces alanine with serine at codon 211 of the IRAK4 protein (p.Ala211Ser). The alanine residue is highly conserved and there is a moderate physicochemical difference between alanine and serine. This variant is not present in population databases (ExAC no frequency). This variant has not been reported in the literature in individuals with IRAK4-related conditions. Algorithms developed to predict the effect of missense changes on protein structure and function (SIFT, PolyPhen-2, Align-GVGD) all suggest that this variant is likely to be disruptive, but these predictions have not been confirmed by published functional studies and their clinical significance is uncertain. In summary, the available evidence is currently insufficient to determine the role of this variant in disease. Therefore, it has been classified as a Variant of Uncertain Significance.

NM_016123.4(IRAK4):c.631G>T (p.Ala211Ser)

Gene: IRAK4 (interleukin 1 receptor associated kinase 4; plus strand). Cytogenetic location: 12q12.
Variant type: single nucleotide variant.
Coding change: c.631G>T on transcript NM_016123.4 (MANE Select); coding-DNA position 631, G replaced by T.
Protein change: p.Ala211Ser; replaces alanine 211 with serine.
Molecular consequence: missense variant. On other transcripts: intron variant (2).
Genome position (GRCh38, 1-based): chr12:43,773,052, G>T. VCF-style: chr12-43773052-G-T. GRCh37 (hg19) VCF-style: chr12-44166855-G-T.
Other names: c.631G>T, p.Ala211Ser (NM_001114182.3, NM_001351345.2); c.259G>T, p.Ala87Ser (NM_001145256.2, NM_001145257.2, NM_001145258.2 and 5 more transcripts); c.42+66G>T (NM_001351343.2, NM_001351344.2); short protein forms A87S, A211S.
Identifiers: ClinVar variation 959194 (VCV000959194.10), dbSNP rs1445249498, ClinGen allele CA384471275.